The following is an entry in ClinVar:

ClinVar aggregate classification (germline): Pathogenic/Likely pathogenic. Review status: criteria provided, multiple submitters, no conflicts (2 of 4 stars). 2 submissions from 2 submitters: Pathogenic (1); Likely pathogenic (1). Last evaluated 2024-08-13.

Conditions:
Hereditary spastic paraplegia 5A (SPG5A). Also called: SPASTIC PARAPLEGIA 5A, AUTOSOMAL RECESSIVE. Identifiers: Orphanet 100986, MedGen C1849115, MONDO:0010047, OMIM 270800.
Congenital bile acid synthesis defect 3. Identifiers: Orphanet 79302, MedGen C3151147, MONDO:0013439, OMIM 613812.
Spastic paraplegia. Identifiers: MedGen C0037772, HP:0001258.

gnomAD v4.1: 3 of 1,613,558 alleles (0.00019%); highest among the groups gnomAD compares: Admixed American, 0.0033%; no homozygotes.

Submissions (2):

Labcorp Genetics (formerly Invitae), Labcorp
Classification: Pathogenic for Spastic paraplegia. Last evaluated: 2024-08-13. Review status: criteria provided, single submitter. Criteria: Invitae Variant Classification Sherloc (09022015). Collection method: clinical testing. Allele origin: germline.
Comment: This sequence change creates a premature translational stop signal (p.Leu217*) in the CYP7B1 gene. It is expected to result in an absent or disrupted protein product. Loss-of-function variants in CYP7B1 are known to be pathogenic (PMID: 9802883, 19363635, 19439420, 21541746, 21567895, 28039895). This variant is not present in population databases (gnomAD no frequency). This premature translational stop signal has been observed in individual(s) with hereditary spastic paraplegia (PMID: 34782662). For these reasons, this variant has been classified as Pathogenic.

Fulgent Genetics
Classification: Likely pathogenic for Hereditary spastic paraplegia 5A; Congenital bile acid synthesis defect 3. Last evaluated: 2024-01-30. Review status: criteria provided, single submitter. Criteria: ACMG Guidelines, 2015. Collection method: clinical testing. Allele origin: germline.

Literature cited by the submitters: PubMed 9802883 (cited by Labcorp Genetics (formerly Invitae), Labcorp); PubMed 19363635 (cited by Labcorp Genetics (formerly Invitae), Labcorp); PubMed 19439420 (cited by Labcorp Genetics (formerly Invitae), Labcorp); PubMed 21541746 (cited by Labcorp Genetics (formerly Invitae), Labcorp); PubMed 21567895 (cited by Labcorp Genetics (formerly Invitae), Labcorp); PubMed 28039895 (cited by Labcorp Genetics (formerly Invitae), Labcorp); PubMed 34782662 (cited by Labcorp Genetics (formerly Invitae), Labcorp).

NM_004820.5(CYP7B1):c.650T>A (p.Leu217Ter)

Gene: CYP7B1 (cytochrome P450 family 7 subfamily B member 1; minus strand). Cytogenetic location: 8q12.3.
Variant type: single nucleotide variant.
Coding change: c.650T>A on transcript NM_004820.5 (MANE Select); coding-DNA position 650, T replaced by A.
Protein change: p.Leu217Ter; replaces leucine 217 with a stop codon.
Molecular consequence: nonsense.
Genome position (GRCh38, 1-based): chr8:64,615,891, A>T on the plus strand (T>A on the coding strand, the complement: CYP7B1 is on the minus strand). VCF-style: chr8-64615891-A-T. GRCh37 (hg19) VCF-style: chr8-65528448-A-T.
Other names: c.650T>A, p.Leu217Ter (NM_001324112.2); short protein forms L217*.
Identifiers: ClinVar variation 2885037 (VCV002885037.4), dbSNP rs1245262159, ClinGen allele CA371335275.